The following is an entry in ClinVar:

NM_153247.4(SLC29A4):c.1263C>T (p.Ser421=)

Gene: SLC29A4 (solute carrier family 29 member 4; plus strand). Cytogenetic location: 7p22.1.
Variant type: single nucleotide variant.
Coding change: c.1263C>T on transcript NM_153247.4 (MANE Select); coding-DNA position 1263, C replaced by T.
Protein change: p.Ser421=; no amino-acid change (serine 421 retained).
Molecular consequence: synonymous variant.
Genome position (GRCh38, 1-based): chr7:5,300,475, C>T. VCF-style: chr7-5300475-C-T. GRCh37 (hg19) VCF-style: chr7-5340106-C-T.
Other names: c.1263C>T, p.Ser421= (NM_001040661.3); c.1221C>T, p.Ser407= (NM_001300847.3).
Identifiers: ClinVar variation 2657270 (VCV002657270.24), dbSNP rs149735652, ClinGen allele CA4142927.
Genomic context (GRCh38, chr7:5,300,475, plus strand): 5'-TCTGCAGATCCTGGCAGCCCTGCCCGTGGACTGGCGGGGCACCCACCTGCTGGCCTGCTC[C>T]TGCCTGCGTGTGGTCTTCATCCCCCTCTTCATCCTGTGCGTCTACCCCAGCGGCATGCCC-3'
Protein context (NP_694979.2, residues 411-431): DWRGTHLLAC[Ser421=]CLRVVFIPLF

ClinVar aggregate classification (germline): Likely benign (1 of 4 stars; one submission).

Allele frequency attached by ClinVar (database versions not stated): gnomAD 0.00081; ESP Exome Variant Server 0.00023; TOPMed 0.00026; gnomAD exomes 0.00037; ExAC 0.00066.
gnomAD v4.1: 664 of 1,611,596 alleles (0.041%); highest among the groups gnomAD compares: Non-Finnish European, 0.033%; no homozygotes.

Submission:

CeGaT Center for Human Genetics Tuebingen
Classification: Likely benign. Last evaluated: 2023-01-01. Review status: criteria provided, single submitter. Criteria: CeGaT Center For Human Genetics Tuebingen Variant Classification Criteria Version 2. Collection method: clinical testing. Allele origin: germline. Affected: yes. Observed: 1 variant allele.
Comment: SLC29A4: BP4, BP7